The following is an entry in ClinVar:

ClinVar aggregate classification (germline): Uncertain significance (1 of 4 stars; one submission).

Conditions:
Familial adenomatous polyposis 1 (FAP1). Also called: FAMILIAL ADENOMATOUS POLYPOSIS 1, ATTENUATED; POLYPOSIS, ADENOMATOUS INTESTINAL. Identifiers: MedGen C2713442, MONDO:0021056, OMIM 175100. Disease mechanism: loss of function.

Submission:

Labcorp Genetics (formerly Invitae), Labcorp
Classification: Uncertain significance for Familial adenomatous polyposis 1. Last evaluated: 2025-07-14. Review status: criteria provided, single submitter. Criteria: Invitae Variant Classification Sherloc (09022015). Collection method: clinical testing. Allele origin: germline.
Comment: This variant occurs in a non-coding region of the APC gene. It does not change the encoded amino acid sequence of the APC protein. This variant is not present in population databases (gnomAD no frequency). This variant has not been reported in the literature in individuals affected with APC-related conditions. Experimental studies and prediction algorithms are not available or were not evaluated, and the functional significance of this variant is currently unknown. In summary, the available evidence is currently insufficient to determine the role of this variant in disease. Therefore, it has been classified as a Variant of Uncertain Significance.

NC_000005.10:g.112707469G>A

Gene: APC (APC regulator of Wnt signaling pathway; plus strand). Cytogenetic location: 5q22.2.
Variant type: single nucleotide variant.
Genome position: GRCh38 VCF-style: chr5-112707469-G-A. GRCh37 (hg19) VCF-style: chr5-112043166-G-A.
Identifiers: ClinVar variation 3663744 (VCV003663744.2).